The following is an entry in ClinVar:

ClinVar aggregate classification (germline): Pathogenic (1 of 4 stars; one submission).

Conditions:
Neurofibromatosis, type 1 (NF1). Also called: Peripheral type neurofibromatosis; Neurofibromatosis, type I; VON RECKLINGHAUSEN DISEASE; NEUROFIBROMATOSIS, TYPE I, SOMATIC. Identifiers: Orphanet 636, MedGen C0027831, MONDO:0018975, OMIM 162200. Disease mechanism: loss of function.

Submission:

Labcorp Genetics (formerly Invitae), Labcorp
Classification: Pathogenic for Neurofibromatosis, type 1. Last evaluated: 2023-07-21. Review status: criteria provided, single submitter. Criteria: Invitae Variant Classification Sherloc (09022015). Collection method: clinical testing. Allele origin: germline.
Comment: This variant has not been reported in the literature in individuals affected with NF1-related conditions. For these reasons, this variant has been classified as Pathogenic. ClinVar contains an entry for this variant (Variation ID: 1410582). This variant is not present in population databases (gnomAD no frequency). This sequence change creates a premature translational stop signal (p.Glu2337Lysfs*38) in the NF1 gene. It is expected to result in an absent or disrupted protein product. Loss-of-function variants in NF1 are known to be pathogenic (PMID: 10712197, 23913538).

Literature cited by the submitters: PubMed 10712197; PubMed 23913538.

NM_001042492.3(NF1):c.7072del (p.Glu2358fs)

Gene: NF1 (neurofibromin 1; plus strand). Cytogenetic location: 17q11.2.
Variant type: Deletion.
Coding change: c.7072del on transcript NM_001042492.3 (MANE Select); coding-DNA position 7072, one base deleted (G; older notation c.7072delG).
Protein change: p.Glu2358fs; shifts the reading frame from glutamic acid 2358.
Molecular consequence: frameshift variant.
Genome position (GRCh38, 1-based): chr17:31,343,018, G deleted; the last of 2 consecutive G bases (chr17:31,343,017-31,343,018); deleting either gives the same sequence. VCF-style (leftmost placement, unchanged base first): chr17-31343016-AG-A. GRCh37 (hg19) VCF-style: chr17-29670034-AG-A.
Other names: c.7009delG, p.Glu2337Lysfs (NM_000267.4); short protein forms E2337fs, E2358fs.
Identifiers: ClinVar variation 1410582 (VCV001410582.6), dbSNP rs2151564965, ClinGen allele CA2573153902.